The following is an entry in ClinVar:

ClinVar aggregate classification (germline): Uncertain significance (1 of 4 stars; one submission).

Allele frequency attached by ClinVar (database versions not stated): TOPMed below 0.00001.

Submission:

GeneDx
Classification: Uncertain significance. Last evaluated: 2014-10-06. Review status: criteria provided, single submitter. Criteria: GeneDx Variant Classification (06012015). Collection method: clinical testing. Allele origin: germline. Affected: yes.
Comment: Missense variants in the TTN gene are considered 'unclassified' if they are not previously reported in the literature and do not have >1% frequency in the population to be considered a polymorphism. Research indicates that truncating mutations in the TTN gene are expected to account for approximately 25% of familial and 18% of sporadic idiopathic DCM; however, truncating variants in the TTN gene have been reported in approximately 3% of reported control alleles. There has been little investigation into non-truncating variants. (Herman D et al. Truncations of titin causing dilated cardiomyopathy. N Eng J Med 366:619-628, 2012) The variant is found in DCM-CRDM panel(s).

NM_001267550.2(TTN):c.91414A>T (p.Asn30472Tyr)

Genes: TTN-AS1 (TTN antisense RNA 1; plus strand), TTN (titin; minus strand). Cytogenetic location: 2q31.2.
Variant type: single nucleotide variant.
Coding change: c.91414A>T on transcript NM_001267550.2 (MANE Select); coding-DNA position 91414, A replaced by T.
Protein change: p.Asn30472Tyr; replaces asparagine 30472 with tyrosine.
Molecular consequence: missense variant.
Genome position (GRCh38, 1-based): chr2:178,551,117, T>A on the plus strand (A>T on the coding strand, the complement: TTN is on the minus strand). VCF-style: chr2-178551117-T-A. GRCh37 (hg19) VCF-style: chr2-179415844-T-A.
Other names: p.N28831Y:AAC>TAC; c.86491A>T, p.Asn28831Tyr (NM_001256850.1); c.64219A>T, p.Asn21407Tyr (NM_003319.4); c.83710A>T, p.Asn27904Tyr (NM_133378.4); c.64594A>T, p.Asn21532Tyr (NM_133432.3); c.64795A>T, p.Asn21599Tyr (NM_133437.4); short protein forms N28831Y, N30472Y, N21599Y, N21407Y, N27904Y, N21532Y.
Identifiers: ClinVar variation 202982 (VCV000202982.2), dbSNP rs794729530, ClinGen allele CA310884.